The following is an entry in ClinVar:

ClinVar aggregate classification (germline): Uncertain significance (1 of 4 stars; one submission).

Conditions:
Combined immunodeficiency due to DOCK8 deficiency (HIES2). Also called: HIES autosomal recessive; DOCK8 Deficiency; Hyper-IgE recurrent infection syndrome, autosomal recessive; HYPER-IgE RECURRENT INFECTION SYNDROME 2, AUTOSOMAL RECESSIVE; HYPER-IgE SYNDROME 2, AUTOSOMAL RECESSIVE, WITH RECURRENT INFECTIONS. Identifiers: Orphanet 217390, MedGen C4722305, MONDO:0009478, OMIM 243700.

Allele frequency attached by ClinVar (database versions not stated): gnomAD exomes below 0.00001.
gnomAD v4.1: 2 of 1,613,984 alleles (0.00012%); highest among the groups gnomAD compares: Non-Finnish European, 0.000085%; no homozygotes.

Submission:

Labcorp Genetics (formerly Invitae), Labcorp
Classification: Uncertain significance for Combined immunodeficiency due to DOCK8 deficiency. Last evaluated: 2023-05-20. Review status: criteria provided, single submitter. Criteria: Invitae Variant Classification Sherloc (09022015). Collection method: clinical testing. Allele origin: germline.
Comment: In summary, the available evidence is currently insufficient to determine the role of this variant in disease. Therefore, it has been classified as a Variant of Uncertain Significance. Advanced modeling of protein sequence and biophysical properties (such as structural, functional, and spatial information, amino acid conservation, physicochemical variation, residue mobility, and thermodynamic stability) performed at Invitae indicates that this missense variant is not expected to disrupt DOCK8 protein function. ClinVar contains an entry for this variant (Variation ID: 859469). This variant has not been reported in the literature in individuals affected with DOCK8-related conditions. This variant is not present in population databases (gnomAD no frequency). This sequence change replaces threonine, which is neutral and polar, with asparagine, which is neutral and polar, at codon 1541 of the DOCK8 protein (p.Thr1541Asn).

NM_203447.4(DOCK8):c.4622C>A (p.Thr1541Asn)

Gene: DOCK8 (dedicator of cytokinesis 8; plus strand). Cytogenetic location: 9p24.3.
Variant type: single nucleotide variant.
Coding change: c.4622C>A on transcript NM_203447.4 (MANE Select); coding-DNA position 4622, C replaced by A.
Protein change: p.Thr1541Asn; replaces threonine 1541 with asparagine.
Molecular consequence: missense variant.
Genome position (GRCh38, 1-based): chr9:429,850, C>A. VCF-style: chr9-429850-C-A. GRCh37 (hg19) VCF-style: chr9-429850-C-A.
Other names: c.4322C>A, p.Thr1441Asn (NM_001190458.2); c.4418C>A, p.Thr1473Asn (NM_001193536.2); short protein forms T1473N, T1541N, T1441N.
Identifiers: ClinVar variation 859469 (VCV000859469.10), dbSNP rs965398133, ClinGen allele CA187802369.